The following is an entry in ClinVar:

NM_004646.4(NPHS1):c.585_586del (p.Phe196fs)

Gene: NPHS1 (NPHS1 adhesion molecule, nephrin; minus strand). Cytogenetic location: 19q13.12.
Variant type: Microsatellite.
Coding change: c.585_586del on transcript NM_004646.4 (MANE Select); coding-DNA positions 585 to 586, 2 bases deleted (CT; older notation c.585_586delCT).
Protein change: p.Phe196fs; shifts the reading frame from phenylalanine 196.
Molecular consequence: frameshift variant.
Genome position (GRCh38, 1-based): chr19:35,850,386-35,850,387, AG deleted on the plus strand (CT on the coding strand, the reverse complement: NPHS1 is on the minus strand); deleting any 2 consecutive bases within chr19:35,850,386-35,850,389 gives the same sequence; the c. name uses the placement nearest the transcript's 3' end. VCF-style (leftmost placement, unchanged base first): chr19-35850385-AAG-A. GRCh37 (hg19) VCF-style: chr19-36341287-AAG-A.
Other names: short protein forms F196fs.
Identifiers: ClinVar variation 5014139 (VCV005014139.1).
Genomic context (GRCh38, chr19:35,850,385, plus strand): 5'-TTAGGGGTCAAGGTTGGGGGGTTGTTTCAGTTTCCACACCTGGCTGTGGCCTCCACAGTG[AAG>A]AGTTTCTGCTGGGAGCCCTCGTTCACGTTTGCAGAGATGTCAGATATTGTCTGTCCACCT-3'

ClinVar aggregate classification (germline): Pathogenic (1 of 4 stars; one submission).

Conditions:
Finnish congenital nephrotic syndrome (NPHS1). Also called: NEPHROTIC SYNDROME, TYPE 1. Identifiers: Orphanet 839, MedGen C0403399, MONDO:0009732, OMIM 256300.

Submission:

Myriad Genetics, Inc.
Classification: Pathogenic for Finnish congenital nephrotic syndrome. Last evaluated: 2025-02-27. Review status: criteria provided, single submitter. Criteria: Myriad Autosomal Dominant, Autosomal Recessive and X-Linked Classification Criteria (2023). Collection method: clinical testing. Allele origin: unknown.
Comment: NM_004646.3(NPHS1):c.585_586delCT(F196Hfs*15) is expected to be pathogenic in the context of nephrotic syndrome, NPHS1-related. This variant is predicted to lead to an abnormal or absent protein product due to the creation of a premature termination codon in NPHS1, a gene where loss-of-function variants are known to be pathogenic. Please note: this variant was assessed in the context of healthy population screening.